The following is an entry in ClinVar:

ClinVar aggregate classification (germline): Uncertain significance (1 of 4 stars; one submission).

Conditions:
Atrioventricular septal defect 4 (AVSD4). Identifiers: MedGen C3280781, MONDO:0013747, OMIM 614430.

Submission:

Labcorp Genetics (formerly Invitae), Labcorp
Classification: Uncertain significance for Atrioventricular septal defect 4. Last evaluated: 2022-11-22. Review status: criteria provided, single submitter. Criteria: Invitae Variant Classification Sherloc (09022015). Collection method: clinical testing. Allele origin: germline.
Comment: In summary, the available evidence is currently insufficient to determine the role of this variant in disease. Therefore, it has been classified as a Variant of Uncertain Significance. Advanced modeling of protein sequence and biophysical properties (such as structural, functional, and spatial information, amino acid conservation, physicochemical variation, residue mobility, and thermodynamic stability) performed at Invitae indicates that this missense variant is not expected to disrupt GATA4 protein function. ClinVar contains an entry for this variant (Variation ID: 639397). This variant has not been reported in the literature in individuals affected with GATA4-related conditions. This variant is not present in population databases (gnomAD no frequency). This sequence change replaces glycine, which is neutral and non-polar, with arginine, which is basic and polar, at codon 136 of the GATA4 protein (p.Gly136Arg).

NM_001308093.3(GATA4):c.406G>C (p.Gly136Arg)

Gene: GATA4 (GATA binding protein 4). Cytogenetic location: 8p23.1.
Variant type: single nucleotide variant.
Coding change: c.406G>C on transcript NM_001308093.3 (MANE Select); coding-DNA position 406, G replaced by C.
Protein change: p.Gly136Arg; replaces glycine 136 with arginine.
Molecular consequence: missense variant. On other transcripts: intron variant (3).
Genome position (GRCh38, 1-based): chr8:11,708,718, G>C. VCF-style: chr8-11708718-G-C. GRCh37 (hg19) VCF-style: chr8-11566227-G-C.
Other names: c.406G>C, p.Gly136Arg (NM_002052.5); c.-6+7940G>C (NM_001308094.2); c.-3+704G>C (NM_001374274.1); c.-3+4414G>C (NM_001374273.1); short protein forms G136R.
Identifiers: ClinVar variation 639397 (VCV000639397.8), dbSNP rs1161266023, ClinGen allele CA370309556.